The following is an entry in ClinVar:

NM_001083962.2(TCF4):c.797C>T (p.Pro266Leu)

Genes: TCF4 (transcription factor 4; minus strand), LOC126862757 (CDK7 strongly-dependent group 2 enhancer GRCh37_chr18:52936433-52937632; plus strand). Cytogenetic location: 18q21.2.
Variant type: single nucleotide variant.
Coding change: c.797C>T on transcript NM_001083962.2 (MANE Select); coding-DNA position 797, C replaced by T.
Protein change: p.Pro266Leu; replaces proline 266 with leucine.
Molecular consequence: missense variant.
Genome position (GRCh38, 1-based): chr18:55,269,956, G>A on the plus strand (C>T on the coding strand, the complement: TCF4 is on the minus strand). VCF-style: chr18-55269956-G-A. GRCh37 (hg19) VCF-style: chr18-52937187-G-A.
Other names: c.1103C>T, p.Pro368Leu (NM_001243226.3); c.725C>T, p.Pro242Leu (NM_001243227.2, NM_001306207.1, NM_001369575.1 and 9 more transcripts); c.815C>T, p.Pro272Leu (NM_001243228.2); c.791C>T, p.Pro264Leu (NM_001243230.2); c.671C>T, p.Pro224Leu (NM_001243231.2, NM_001348211.2); c.584C>T, p.Pro195Leu (NM_001243232.1, NM_001306208.1); c.407C>T, p.Pro136Leu (NM_001243233.2, NM_001330605.3, NM_001348212.2 and 1 more transcripts); c.317C>T, p.Pro106Leu (NM_001243234.2, NM_001243235.2, NM_001243236.2 and 2 more transcripts); and 5 more; short protein forms P106L, P136L, P195L, P224L, P241L, P242L, P264L, P265L.
Identifiers: ClinVar variation 1061563 (VCV001061563.10), dbSNP rs201776550, ClinGen allele CA301116167.

ClinVar aggregate classification (germline): Conflicting classifications of pathogenicity. Review status: criteria provided, conflicting classifications (1 of 4 stars). 2 submissions from 2 submitters: Uncertain significance (1); Likely benign (1). Last evaluated 2025-06-29.

Conditions:
Inborn genetic diseases. Identifiers: MedGen C0950123, MeSH D030342.
Pitt-Hopkins syndrome (PTHS). Also called: ENCEPHALOPATHY, SEVERE EPILEPTIC, WITH AUTONOMIC DYSFUNCTION; MENTAL RETARDATION, SYNDROMAL, WITH INTERMITTENT HYPERVENTILATION. Identifiers: Orphanet 2896, MedGen C1970431, MONDO:0012589, OMIM 610954.

Allele frequency attached by ClinVar (database versions not stated): gnomAD 0.00001; gnomAD exomes 0.00001 and below 0.00001; TOPMed 0.00001.
gnomAD v4.1: 6 of 1,613,048 alleles (0.00037%); highest among the groups gnomAD compares: Non-Finnish European, 0.00042%; no homozygotes.

Submissions (2):

Ambry Genetics
Classification: Likely benign for Inborn genetic diseases. Last evaluated: 2025-06-29. Review status: criteria provided, single submitter. Criteria: Ambry Variant Classification Scheme 2023. Collection method: clinical testing. Allele origin: germline.

Labcorp Genetics (formerly Invitae), Labcorp
Classification: Uncertain significance for Pitt-Hopkins syndrome. Last evaluated: 2023-08-14. Review status: criteria provided, single submitter. Criteria: Invitae Variant Classification Sherloc (09022015). Collection method: clinical testing. Allele origin: germline.
Comment: This variant has not been reported in the literature in individuals affected with TCF4-related conditions. In summary, the available evidence is currently insufficient to determine the role of this variant in disease. Therefore, it has been classified as a Variant of Uncertain Significance. Advanced modeling of protein sequence and biophysical properties (such as structural, functional, and spatial information, amino acid conservation, physicochemical variation, residue mobility, and thermodynamic stability) performed at Invitae indicates that this missense variant is not expected to disrupt TCF4 protein function. ClinVar contains an entry for this variant (Variation ID: 1061563). This variant is present in population databases (rs201776550, gnomAD 0.002%). This sequence change replaces proline, which is neutral and non-polar, with leucine, which is neutral and non-polar, at codon 266 of the TCF4 protein (p.Pro266Leu).